The following is an entry in ClinVar:

NM_003900.5(SQSTM1):c.771C>T (p.Ile257=)

Gene: SQSTM1 (sequestosome 1; plus strand). Cytogenetic location: 5q35.3.
Variant type: single nucleotide variant.
Coding change: c.771C>T on transcript NM_003900.5 (MANE Select); coding-DNA position 771, C replaced by T.
Protein change: p.Ile257=; no amino-acid change (isoleucine 257 retained).
Molecular consequence: synonymous variant.
Genome position (GRCh38, 1-based): chr5:179,833,048, C>T. VCF-style: chr5-179833048-C-T. GRCh37 (hg19) VCF-style: chr5-179260048-C-T.
Other names: c.771C>T (NM_003900.4); c.519C>T, p.Ile173= (NM_001142298.2, NM_001142299.2).
Identifiers: ClinVar variation 1628817 (VCV001628817.10), dbSNP rs372827450, ClinGen allele CA3600674.
Genomic context (GRCh38, chr5:179,833,048, plus strand): 5'-CTTGGGGGAACTTCACGGCTTGCTCTTTCCTCCTCCGCCTCTAGGCATTGAAGTTGATAT[C>T]GATGTGGAGCACGGAGGGAAAAGAAGCCGCCTGACCCCCGTCTCTCCAGAGAGTTCCAGC-3'
Protein context (NP_003891.1, residues 247-267): ALSPLGIEVD[Ile257=]DVEHGGKRSR

ClinVar aggregate classification (germline): Likely benign. Review status: criteria provided, single submitter (1 of 4 stars). 2 submissions from 2 submitters: Likely benign (1). 1 of the submissions does not count toward it. Last evaluated 2026-01-22.

Conditions:
Paget disease of bone 2, early-onset (PDB2). Also called: Paget disease of bone 2. Identifiers: MedGen C4085251, MONDO:0011183, OMIM 602080.
Frontotemporal dementia and/or amyotrophic lateral sclerosis 1 (FTDALS1). Also called: C9orf72 Frontotemporal Dementia and/or Amyotrophic Lateral Sclerosis; Frontotemporal dementia with motor neuron disease 1. Identifiers: Orphanet 275872, MedGen C5779877, MONDO:0007105, OMIM 105550.
SQSTM1-related disorder. Also called: SQSTM1-Related Disorders.

Allele frequency attached by ClinVar (database versions not stated): ExAC 0.00003; ESP Exome Variant Server 0.00008.
gnomAD v4.1: 32 of 1,614,160 alleles (0.002%); highest among the groups gnomAD compares: African/African-American, 0.019%; no homozygotes.

Submissions (2):

Labcorp Genetics (formerly Invitae), Labcorp
Classification: Likely benign for Paget disease of bone 2, early-onset; Frontotemporal dementia and/or amyotrophic lateral sclerosis 1. Last evaluated: 2026-01-22. Review status: criteria provided, single submitter. Criteria: Invitae Variant Classification Sherloc (09022015). Collection method: clinical testing. Allele origin: germline.

PreventionGenetics, part of Exact Sciences
Classification: Likely benign for SQSTM1-related condition. Last evaluated: 2019-08-06. Review status: no assertion criteria provided. Collection method: clinical testing. Allele origin: germline. Not counted in ClinVar's aggregate classification.
Comment: This variant is classified as likely benign based on ACMG/AMP sequence variant interpretation guidelines (Richards et al. 2015 PMID: 25741868, with internal and published modifications).